The following is an entry in ClinVar:

NM_001370259.2(MEN1):c.354G>A (p.Val118=)

Gene: MEN1 (menin 1; minus strand). Cytogenetic location: 11q13.1.
Variant type: single nucleotide variant.
Coding change: c.354G>A on transcript NM_001370259.2 (MANE Select); coding-DNA position 354, G replaced by A.
Protein change: p.Val118=; no amino-acid change (valine 118 retained).
Molecular consequence: synonymous variant. On other transcripts: non-coding transcript variant (4).
Genome position (GRCh38, 1-based): chr11:64,809,756, C>T on the plus strand (G>A on the coding strand, the complement: MEN1 is on the minus strand). VCF-style: chr11-64809756-C-T. GRCh37 (hg19) VCF-style: chr11-64577228-C-T.
Other names: c.354G>A, p.Val118= (NM_000244.4, NM_001370251.2, NM_001370260.2 and 20 more transcripts).
Identifiers: ClinVar variation 4106556 (VCV004106556.1).

ClinVar aggregate classification (germline): Uncertain significance (1 of 4 stars; one submission).

Conditions:
Hereditary cancer-predisposing syndrome. Also called: Tumor predisposition; Neoplastic Syndromes, Hereditary; Hereditary neoplastic syndrome; Hereditary Cancer Syndrome. Identifiers: Orphanet 140162, MedGen C0027672, MeSH D009386, MONDO:0015356.

Submission:

Ambry Genetics
Classification: Uncertain significance for Hereditary cancer-predisposing syndrome. Last evaluated: 2025-06-26. Review status: criteria provided, single submitter. Criteria: Ambry Variant Classification Scheme 2023. Collection method: clinical testing. Allele origin: germline.
Comment: The c.354G>A variant (also known as p.V118V), located in coding exon 1 of the MEN1 gene, results from a G to A substitution at nucleotide position 354. This nucleotide substitution does not change the amino acid at codon 118. This nucleotide position is not well conserved in available vertebrate species. In silico splice site analysis predicts that this alteration may result in the creation or strengthening of a novel splice donor site. Based on the available evidence, the clinical significance of this variant remains unclear.